The following is an entry in ClinVar:

ClinVar aggregate classification (germline): Benign/Likely benign. Review status: criteria provided, multiple submitters, no conflicts (2 of 4 stars). 4 submissions from 4 submitters: Benign (1); Likely benign (3). Last evaluated 2025-12-03.

Conditions:
Hereditary spastic paraplegia 54. Also called: Spastic paraplegia 54, autosomal recessive. Identifiers: Orphanet 320380, MedGen C3539495, MONDO:0014018, OMIM 615033.
DDHD2-related disorder. Also called: DDHD2-related condition.

Allele frequency attached by ClinVar (database versions not stated): gnomAD 0.00007 and 0.00010; gnomAD exomes 0.00010 and 0.00040; TOPMed 0.00019; ExAC 0.00041; 1000 Genomes Project 30x 0.00047; 1000 Genomes Project 0.00060.
gnomAD v4.1: 173 of 1,614,178 alleles (0.011%); highest among the groups gnomAD compares: East Asian, 0.26%; 2 homozygotes.

Submissions (4):

Labcorp Genetics (formerly Invitae), Labcorp
Classification: Benign for Hereditary spastic paraplegia 54. Last evaluated: 2025-12-03. Review status: criteria provided, single submitter. Criteria: Invitae Variant Classification Sherloc (09022015). Collection method: clinical testing. Allele origin: germline.

PreventionGenetics, part of Exact Sciences
Classification: Likely benign for DDHD2-related condition. Last evaluated: 2025-08-14. Review status: criteria provided, single submitter. Criteria: ACMG Guidelines, 2015. Collection method: clinical testing. Allele origin: germline.
Comment: This variant is classified as likely benign based on ACMG/AMP sequence variant interpretation guidelines (Richards et al. 2015 PMID: 25741868, with internal and published modifications).

Blueprint Genetics
Classification: Likely benign. Last evaluated: 2023-03-02. Review status: criteria provided, single submitter. Criteria: ACMG Guidelines, 2015. Collection method: clinical testing. Allele origin: germline.

Genetic Services Laboratory, University of Chicago
Classification: Likely benign. Last evaluated: 2018-12-20. Review status: criteria provided, single submitter. Criteria: ACMG Guidelines, 2015. Collection method: clinical testing. Allele origin: germline. Affected: no.

NM_015214.3(DDHD2):c.21A>G (p.Gln7=)

Gene: DDHD2 (DDHD domain containing 2; plus strand). Cytogenetic location: 8p11.23.
Variant type: single nucleotide variant.
Coding change: c.21A>G on transcript NM_015214.3 (MANE Select); coding-DNA position 21, A replaced by G.
Protein change: p.Gln7=; no amino-acid change (glutamine 7 retained).
Molecular consequence: synonymous variant. On other transcripts: non-coding transcript variant (2).
Genome position (GRCh38, 1-based): chr8:38,233,015, A>G. VCF-style: chr8-38233015-A-G. GRCh37 (hg19) VCF-style: chr8-38090533-A-G.
Other names: c.21A>G, p.Gln7= (NM_001164232.2, NM_001164234.2, NM_001362911.2 and 3 more transcripts).
Identifiers: ClinVar variation 696256 (VCV000696256.15), dbSNP rs182341575, ClinGen allele CA4715882.